The following is an entry in ClinVar:

NM_000112.4(SLC26A2):c.1242_1245del (p.Asn415fs)

Gene: SLC26A2 (solute carrier family 26 member 2; plus strand). Cytogenetic location: 5q32.
Variant type: Deletion.
Coding change: c.1242_1245del on transcript NM_000112.4 (MANE Select); coding-DNA positions 1242 to 1245, 4 bases deleted (AAAC; older notation c.1242_1245delAAAC).
Protein change: p.Asn415fs; shifts the reading frame from asparagine 415.
Molecular consequence: frameshift variant.
Genome position (GRCh38, 1-based): chr5:149,980,835-149,980,838, AAAC deleted; deleting any 4 consecutive bases within chr5:149,980,834-149,980,838 gives the same sequence; the c. name uses the placement nearest the transcript's 3' end. VCF-style (leftmost placement, unchanged base first): chr5-149980833-GCAAA-G. GRCh37 (hg19) VCF-style: chr5-149360396-GCAAA-G.
Other names: c.1242_1245delAAAC (NM_000112.3); short protein forms N415fs.
Identifiers: ClinVar variation 56013 (VCV000056013.2), dbSNP rs386833494, ClinGen allele CA263250.

ClinVar aggregate classification (germline): Likely pathogenic (0 of 4 stars; one submission).

Conditions:
Diastrophic dysplasia (DTD). Also called: Diastrophic dwarfism. Identifiers: Orphanet 628, MedGen C0220726, MONDO:0009107, OMIM 222600.

Submission:

Juha Muilu Group; Institute for Molecular Medicine Finland (FIMM)
Classification: Likely pathogenic for Diastrophic dysplasia. Review status: no assertion criteria provided. Collection method: not provided. Allele origin: unknown.
Comment: FinDis database variant: This variant was not found or characterized by our laboratory, data were collected from public sources: see reference
ClinVar note: Converted during submission from probable-pathogenic to Likely pathogenic.